The following is an entry in ClinVar:

NM_001287491.2(TET3):c.140dup (p.Gly48fs)

Gene: TET3 (tet methylcytosine dioxygenase 3; plus strand). Cytogenetic location: 2p13.1.
Variant type: Duplication.
Coding change: c.140dup on transcript NM_001287491.2 (MANE Select); coding-DNA position 140, one base duplicated (G; older notation c.140dupG).
Protein change: p.Gly48fs; shifts the reading frame from glycine 48.
Molecular consequence: frameshift variant.
Genome position (GRCh38, 1-based): chr2:73,986,543, G duplicated; the last of 5 consecutive G bases (chr2:73,986,539-73,986,543); duplicating any one gives the same sequence. VCF-style (leftmost placement, unchanged base first): chr2-73986538-A-AG. GRCh37 (hg19) VCF-style: chr2-74213665-A-AG.
Other names: short protein forms G48fs.
Identifiers: ClinVar variation 5017035 (VCV005017035.1).
Genomic context (GRCh38, chr2:73,986,538, plus strand): 5'-GATGGTAGGGAGCTTCCCGGGGTCTGGGCTCTCCATGGCTGGGAGTGAGTCCCAACTCCG[A>AG]GGGGGTGGAGATGGTCGAAAGAAACGGAAACGGTGTGGTACTTGTGAGCCCTGCCGGCGG-3'

ClinVar aggregate classification (germline): Uncertain significance (1 of 4 stars; one submission).

Submission:

GeneDx
Classification: Uncertain significance. Last evaluated: 2026-03-23. Review status: criteria provided, single submitter. Criteria: GeneDx Variant Classification Process June 2021. Collection method: clinical testing. Allele origin: germline.
Comment: Frameshift variant predicted to result in protein truncation or nonsense mediated decay in a gene for which loss of function is a known mechanism of disease; Has not been previously published as pathogenic or benign to our knowledge; No data available from control populations to assess the frequency of this variant